The following is an entry in ClinVar:

NM_004055.5(CAPN5):c.1312C>T (p.Arg438Cys)

Gene: CAPN5 (calpain 5; plus strand). Cytogenetic location: 11q13.5.
Variant type: single nucleotide variant.
Coding change: c.1312C>T on transcript NM_004055.5 (MANE Select); coding-DNA position 1312, C replaced by T.
Protein change: p.Arg438Cys; replaces arginine 438 with cysteine.
Molecular consequence: missense variant.
Genome position (GRCh38, 1-based): chr11:77,120,734, C>T. VCF-style: chr11-77120734-C-T. GRCh37 (hg19) VCF-style: chr11-76831780-C-T.
Other names: short protein forms R438C.
Identifiers: ClinVar variation 1471448 (VCV001471448.8), dbSNP rs372227864, ClinGen allele CA6196775.

ClinVar aggregate classification (germline): Uncertain significance (1 of 4 stars; one submission).

gnomAD v4.1: 39 of 1,611,750 alleles (0.0024%); highest among the groups gnomAD compares: South Asian, 0.0033%; no homozygotes.

Submission:

Labcorp Genetics (formerly Invitae), Labcorp
Classification: Uncertain significance. Last evaluated: 2025-12-15. Review status: criteria provided, single submitter. Criteria: Invitae Variant Classification Sherloc (09022015). Collection method: clinical testing. Allele origin: germline.
Comment: This sequence change replaces arginine, which is basic and polar, with cysteine, which is neutral and slightly polar, at codon 438 of the CAPN5 protein (p.Arg438Cys). This variant is present in population databases (rs372227864, gnomAD 0.006%). This variant has not been reported in the literature in individuals affected with CAPN5-related conditions. ClinVar contains an entry for this variant (Variation ID: 1471448). Invitae Evidence Modeling of protein sequence and biophysical properties (such as structural, functional, and spatial information, amino acid conservation, physicochemical variation, residue mobility, and thermodynamic stability) indicates that this missense variant is expected to disrupt CAPN5 protein function with a positive predictive value of 80%. In summary, the available evidence is currently insufficient to determine the role of this variant in disease. Therefore, it has been classified as a Variant of Uncertain Significance.